The following is an entry in ClinVar:

ClinVar aggregate classification (germline): Uncertain significance (1 of 4 stars; one submission).

Allele frequency attached by ClinVar (database versions not stated): gnomAD exomes below 0.00001; TOPMed 0.00001; ExAC 0.00002.
gnomAD v4.1: 6 of 1,614,132 alleles (0.00037%); highest among the groups gnomAD compares: Non-Finnish European, 0.00042%; no homozygotes.

Submission:

Labcorp Genetics (formerly Invitae), Labcorp
Classification: Uncertain significance. Last evaluated: 2023-07-09. Review status: criteria provided, single submitter. Criteria: Invitae Variant Classification Sherloc (09022015). Collection method: clinical testing. Allele origin: germline.
Comment: In summary, the available evidence is currently insufficient to determine the role of this variant in disease. Therefore, it has been classified as a Variant of Uncertain Significance. An algorithm developed to predict the effect of missense changes on protein structure and function (PolyPhen-2) suggests that this variant is likely to be disruptive. This sequence change replaces threonine, which is neutral and polar, with methionine, which is neutral and non-polar, at codon 1421 of the NLRP1 protein (p.Thr1421Met). This variant is present in population databases (rs746893493, gnomAD 0.006%). This variant has not been reported in the literature in individuals affected with NLRP1-related conditions.

NM_033004.4(NLRP1):c.4262C>T (p.Thr1421Met)

Gene: NLRP1 (NLR family pyrin domain containing 1; minus strand). Cytogenetic location: 17p13.2.
Variant type: single nucleotide variant.
Coding change: c.4262C>T on transcript NM_033004.4 (MANE Select); coding-DNA position 4262, C replaced by T.
Protein change: p.Thr1421Met; replaces threonine 1421 with methionine.
Molecular consequence: missense variant. On other transcripts: intron variant (1).
Genome position (GRCh38, 1-based): chr17:5,514,914, G>A on the plus strand (C>T on the coding strand, the complement: NLRP1 is on the minus strand). VCF-style: chr17-5514914-G-A. GRCh37 (hg19) VCF-style: chr17-5418234-G-A.
Other names: c.4130C>T, p.Thr1377Met (NM_014922.5); c.4172C>T, p.Thr1391Met (NM_033006.4); c.4040C>T, p.Thr1347Met (NM_033007.4); c.4069+2832C>T (NM_001033053.3); short protein forms T1377M, T1421M, T1347M, T1391M.
Identifiers: ClinVar variation 2972015 (VCV002972015.3), dbSNP rs746893493, ClinGen allele CA8326595.